The following is an entry in ClinVar:

ClinVar aggregate classification (germline): Pathogenic/Likely pathogenic. Review status: criteria provided, multiple submitters, no conflicts (2 of 4 stars). 2 submissions from 2 submitters: Pathogenic (1); Likely pathogenic (1). Last evaluated 2025-01-05.

Conditions:
Usher syndrome type 1C. Also called: USHER SYNDROME, TYPE I, ACADIAN VARIETY. Identifiers: Orphanet 231169, Orphanet 886, MedGen C1848604, MONDO:0010171, OMIM 276904.

Submissions (2):

Natera, Inc.
Classification: Likely pathogenic for Usher syndrome type 1C. Last evaluated: 2025-01-05. Review status: criteria provided, single submitter. Criteria: Natera Variant Classification Schema (03/2026). Collection method: clinical testing. Allele origin: germline.
Comment: The c.75T>G variant in USH1C is a nonsense variant predicted to introduce a stop codon at amino acid 25. This variant is expected to result in nonsense mediated decay, truncation, or a dysfunctional protein product. This variant is rare in the general population with a frequency below the threshold expected for the associated phenotype(s). Given the available evidence, this variant is classified as Likely Pathogenic.

Labcorp Genetics (formerly Invitae), Labcorp
Classification: Pathogenic. Last evaluated: 2023-05-14. Review status: criteria provided, single submitter. Criteria: Invitae Variant Classification Sherloc (09022015). Collection method: clinical testing. Allele origin: germline.
Comment: This sequence change creates a premature translational stop signal (p.Tyr25*) in the USH1C gene. It is expected to result in an absent or disrupted protein product. Loss-of-function variants in USH1C are known to be pathogenic (PMID: 10973247, 17407589, 20301442, 21203349). This variant is not present in population databases (gnomAD no frequency). This variant has not been reported in the literature in individuals affected with USH1C-related conditions. For these reasons, this variant has been classified as Pathogenic.

Literature cited by the submitters: PubMed 10973247 (cited by Labcorp Genetics (formerly Invitae), Labcorp); PubMed 17407589 (cited by Labcorp Genetics (formerly Invitae), Labcorp); PubMed 20301442 (cited by Labcorp Genetics (formerly Invitae), Labcorp); PubMed 21203349 (cited by Labcorp Genetics (formerly Invitae), Labcorp).

NM_153676.4(USH1C):c.75T>G (p.Tyr25Ter)

Gene: USH1C (USH1 protein network component harmonin; minus strand). Cytogenetic location: 11p15.1.
Variant type: single nucleotide variant.
Coding change: c.75T>G on transcript NM_153676.4 (MANE Select); coding-DNA position 75, T replaced by G.
Protein change: p.Tyr25Ter; replaces tyrosine 25 with a stop codon.
Molecular consequence: nonsense. On other transcripts: non-coding transcript variant (1).
Genome position (GRCh38, 1-based): chr11:17,533,284, A>C on the plus strand (T>G on the coding strand, the complement: USH1C is on the minus strand). VCF-style: chr11-17533284-A-C. GRCh37 (hg19) VCF-style: chr11-17554831-A-C.
Other names: c.75T>G (NM_005709.3); c.75T>G, p.Tyr25Ter (NM_001297764.2, NM_005709.4); short protein forms Y25*.
Identifiers: ClinVar variation 2864223 (VCV002864223.5), dbSNP rs2497241374, ClinGen allele CA379800646.